The following is an entry in ClinVar:

NM_001457.4(FLNB):c.1352A>T (p.Asn451Ile)

Gene: FLNB (filamin B; plus strand). Cytogenetic location: 3p14.3.
Variant type: single nucleotide variant.
Coding change: c.1352A>T on transcript NM_001457.4 (MANE Select); coding-DNA position 1352, A replaced by T.
Protein change: p.Asn451Ile; replaces asparagine 451 with isoleucine.
Molecular consequence: missense variant.
Genome position (GRCh38, 1-based): chr3:58,102,209, A>T. VCF-style: chr3-58102209-A-T. GRCh37 (hg19) VCF-style: chr3-58087936-A-T.
Other names: c.1352A>T, p.Asn451Ile (NM_001164317.2, NM_001164318.2, NM_001164319.2); c.1352A>T (NM_001457.3); short protein forms N451I.
Identifiers: ClinVar variation 1438425 (VCV001438425.7), dbSNP rs780463201, ClinGen allele CA353337864.

ClinVar aggregate classification (germline): Uncertain significance. Review status: criteria provided, multiple submitters, no conflicts (2 of 4 stars). 2 submissions from 2 submitters: Uncertain significance (2). Last evaluated 2025-08-24.

Conditions:
Inborn genetic diseases. Identifiers: MedGen C0950123, MeSH D030342.

gnomAD v4.1: 14 of 1,614,116 alleles (0.00087%); highest among the groups gnomAD compares: Admixed American, 0.01%; no homozygotes.

Submissions (2):

Ambry Genetics
Classification: Uncertain significance for Inborn genetic diseases. Last evaluated: 2025-08-24. Review status: criteria provided, single submitter. Criteria: Ambry Variant Classification Scheme 2023. Collection method: clinical testing. Allele origin: germline.

Labcorp Genetics (formerly Invitae), Labcorp
Classification: Uncertain significance. Last evaluated: 2022-01-13. Review status: criteria provided, single submitter. Criteria: Invitae Variant Classification Sherloc (09022015). Collection method: clinical testing. Allele origin: germline.
Comment: This sequence change replaces asparagine, which is neutral and polar, with isoleucine, which is neutral and non-polar, at codon 451 of the FLNB protein (p.Asn451Ile). This variant is present in population databases (no rsID available, gnomAD 0.006%). This variant has not been reported in the literature in individuals affected with FLNB-related conditions. Advanced modeling of protein sequence and biophysical properties (such as structural, functional, and spatial information, amino acid conservation, physicochemical variation, residue mobility, and thermodynamic stability) performed at Invitae indicates that this missense variant is not expected to disrupt FLNB protein function. In summary, the available evidence is currently insufficient to determine the role of this variant in disease. Therefore, it has been classified as a Variant of Uncertain Significance.